The following is an entry in ClinVar:

ClinVar aggregate classification (germline): Uncertain significance (1 of 4 stars; one submission).

Submission:

Women's Health and Genetics/Laboratory Corporation of America, LabCorp
Classification: Uncertain significance. Last evaluated: 2024-03-20. Review status: criteria provided, single submitter. Criteria: LabCorp Variant Classification Summary - May 2015. Collection method: clinical testing. Allele origin: germline.
Comment: Variant summary: SLC25A13 c.1763G>T (p.Arg588Leu) results in a non-conservative amino acid change located in the Mitochondrial substrate/solute carrier repeat (IPR018108) of the encoded protein sequence. Five of five in-silico tools predict a damaging effect of the variant on protein function. The variant was absent in 251172 control chromosomes. The available data on variant occurrences in the general population are insufficient to allow any conclusion about variant significance. To our knowledge, no occurrence of c.1763G>T in individuals affected with Citrullinemia Type II and no experimental evidence demonstrating its impact on protein function have been reported. No submitters have cited clinical-significance assessments for this variant to ClinVar. Based on the evidence outlined above, the variant was classified as uncertain significance.

NM_014251.3(SLC25A13):c.1763G>T (p.Arg588Leu)

Gene: SLC25A13 (solute carrier family 25 member 13; minus strand). Cytogenetic location: 7q21.3.
Variant type: single nucleotide variant.
Coding change: c.1763G>T on transcript NM_014251.3 (MANE Select); coding-DNA position 1763, G replaced by T.
Protein change: p.Arg588Leu; replaces arginine 588 with leucine.
Molecular consequence: missense variant. On other transcripts: non-coding transcript variant (1).
Genome position (GRCh38, 1-based): chr7:96,121,733, C>A on the plus strand (G>T on the coding strand, the complement: SLC25A13 is on the minus strand). VCF-style: chr7-96121733-C-A. GRCh37 (hg19) VCF-style: chr7-95751045-C-A.
Other names: c.1766G>T, p.Arg589Leu (NM_001160210.2); short protein forms R588L, R589L.
Identifiers: ClinVar variation 3233849 (VCV003233849.2), dbSNP rs121908532, ClinGen allele CA368257908.
Genomic context (GRCh38, chr7:96,121,733, plus strand): 5'-TAGAACCATCGCTGTAGCAATTCGTAAGTCAGCAAAGTTACACCAAACTGGGGTGAGGAT[C>A]GAAATACACGAGCTTTAAAAAAATGGAGAAATCACAGATATAATTAGATATTTTAAAAAT-3'
Protein context (NP_055066.1, residues 578-598): LWKGAGARVF[Arg588Leu]SSPQFGVTLL